The following is an entry in ClinVar:

ClinVar aggregate classification (germline): Likely benign. Review status: criteria provided, multiple submitters, no conflicts (2 of 4 stars). 2 submissions from 2 submitters: Likely benign (2). Last evaluated 2024-06-01.

Conditions:
Christianson syndrome (MRXSCH). Also called: X-linked mental retardation, syndromic, Christianson type; SLC9A6-Related Syndromic Mental Retardation; INTELLECTUAL DEVELOPMENTAL DISORDER, X-LINKED, SYNDROMIC, CHRISTIANSON TYPE. Identifiers: Orphanet 85278, MedGen C2678194, MONDO:0010278, OMIM 300243.

Allele frequency attached by ClinVar (database versions not stated): gnomAD 0.00001 and 0.00005; gnomAD exomes 0.00001 and 0.00002.
gnomAD v4.1: 9 of 1,209,130 alleles (0.00074%); highest among the groups gnomAD compares: Middle Eastern, 0.091%; no homozygotes.

Submissions (2):

CeGaT Center for Human Genetics Tuebingen
Classification: Likely benign. Last evaluated: 2024-06-01. Review status: criteria provided, single submitter. Criteria: CeGaT Center For Human Genetics Tuebingen Variant Classification Criteria Version 2. Collection method: clinical testing. Allele origin: germline. Affected: yes. Observed: 1 variant allele.
Comment: SLC9A6: BP4

Labcorp Genetics (formerly Invitae), Labcorp
Classification: Likely benign for Christianson syndrome. Last evaluated: 2023-09-15. Review status: criteria provided, single submitter. Criteria: Invitae Variant Classification Sherloc (09022015). Collection method: clinical testing. Allele origin: germline.

NM_001379110.1(SLC9A6):c.744-7T>C

Gene: SLC9A6 (solute carrier family 9 member A6; plus strand). Cytogenetic location: Xq26.3.
Variant type: single nucleotide variant.
Coding change: c.744-7T>C on transcript NM_001379110.1 (MANE Select); 7 bases into the intron before coding-DNA position 744, T replaced by C.
Molecular consequence: intron variant.
Genome position (GRCh38, 1-based): chrX:136,010,435, T>C. VCF-style: chrX-136010435-T-C. GRCh37 (hg19) VCF-style: chrX-135092594-T-C.
Other names: c.900-7T>C (NM_001042537.2); c.804-7T>C (NM_006359.3); c.744-7T>C (NM_001177651.2); c.648-7T>C (NM_001330652.2).
Identifiers: ClinVar variation 701274 (VCV000701274.26), dbSNP rs1556618483, ClinGen allele CA644623615.